The following is an entry in ClinVar:

ClinVar aggregate classification (germline): Likely pathogenic. Review status: criteria provided, multiple submitters, no conflicts (2 of 4 stars). 2 submissions from 2 submitters: Likely pathogenic (2). Last evaluated 2024-10-12.

Conditions:
Dilated cardiomyopathy 1G (CMD1G). Identifiers: Orphanet 154, MedGen C1858763, MONDO:0011400, OMIM 604145.
Autosomal recessive limb-girdle muscular dystrophy type 2J (LGMDR10). Also called: Limb-girdle muscular dystrophy, type 2J; MUSCULAR DYSTROPHY, LIMB-GIRDLE, AUTOSOMAL RECESSIVE 10. Identifiers: Orphanet 140922, MedGen C1837342, MONDO:0012127, OMIM 608807.
Cardiovascular phenotype. Identifiers: MedGen CN230736.

Submissions (2):

Labcorp Genetics (formerly Invitae), Labcorp
Classification: Likely pathogenic for Dilated cardiomyopathy 1G; Autosomal recessive limb-girdle muscular dystrophy type 2J. Last evaluated: 2024-10-12. Review status: criteria provided, single submitter. Criteria: Invitae Variant Classification Sherloc (09022015). Collection method: clinical testing. Allele origin: germline.
Comment: This sequence change creates a premature translational stop signal (p.Tyr17347*) in the TTN gene. While this is not anticipated to result in nonsense mediated decay, it is expected to create a truncated TTN protein. This variant is not present in population databases (gnomAD no frequency). This variant has not been reported in the literature in individuals affected with TTN-related conditions. ClinVar contains an entry for this variant (Variation ID: 1791958). This variant is located in the A band of TTN (PMID: 25589632). Truncating variants in this region are significantly overrepresented in patients affected with dilated cardiomyopathy (PMID: 25589632). Truncating variants in this region have also been reported in individuals affected with autosomal recessive centronuclear myopathy (PMID: 23975875). In summary, the currently available evidence indicates that the variant is pathogenic, but additional data are needed to prove that conclusively. Therefore, this variant has been classified as Likely Pathogenic.

Ambry Genetics
Classification: Likely pathogenic for Cardiovascular phenotype. Last evaluated: 2018-11-20. Review status: criteria provided, single submitter. Criteria: Ambry Variant Classification Scheme 2023. Collection method: clinical testing. Allele origin: germline.
Comment: The p.Y8282* variant (also known as c.24846T>A), located in coding exon 100 of the TTN gene, results from a T to A substitution at nucleotide position 24846. This changes the amino acid from a tyrosine to a stop codon within coding exon 100. This exon is located in the A-band region of the N2-B isoform of the titin protein and is constitutively expressed in TTN transcripts (percent spliced in or PSI 100%). While truncating variants in TTN are present in 1-3% of the general population, truncating variants in the A-band are the most common cause of dilated cardiomyopathy (DCM) (Herman DS et al. N. Engl. J. Med. 2012 Feb;366:619-28; Roberts AM et al. Sci Transl Med. 2015 Jan;7:270ra6). TTN truncating variants encoded in constitutive exons (PSI >90%) have been found to be significantly associated with DCM regardless of their position in titin (Schafer S et al. Nat. Genet. 2017 Jan;49:46-53). This alteration is expected to result in loss of function by premature protein truncation or nonsense-mediated mRNA decay. As such, this alteration is classified as likely pathogenic.

Literature cited by the submitters: PubMed 25589632 (cited by Labcorp Genetics (formerly Invitae), Labcorp); PubMed 23975875 (cited by Labcorp Genetics (formerly Invitae), Labcorp).

NM_001267550.2(TTN):c.52041T>A (p.Tyr17347Ter)

Genes: TTN-AS1 (TTN antisense RNA 1; plus strand), TTN (titin; minus strand). Cytogenetic location: 2q31.2.
Variant type: single nucleotide variant.
Coding change: c.52041T>A on transcript NM_001267550.2 (MANE Select); coding-DNA position 52041, T replaced by A.
Protein change: p.Tyr17347Ter; replaces tyrosine 17347 with a stop codon.
Molecular consequence: nonsense.
Genome position (GRCh38, 1-based): chr2:178,609,269, A>T on the plus strand (T>A on the coding strand, the complement: TTN is on the minus strand). VCF-style: chr2-178609269-A-T. GRCh37 (hg19) VCF-style: chr2-179473996-A-T.
Other names: c.47118T>A, p.Tyr15706Ter (NM_001256850.1); c.24846T>A, p.Tyr8282Ter (NM_003319.4); c.44337T>A, p.Tyr14779Ter (NM_133378.4); c.25221T>A, p.Tyr8407Ter (NM_133432.3); c.25422T>A, p.Tyr8474Ter (NM_133437.4); short protein forms Y8407*, Y17347*, Y8474*, Y14779*, Y8282*, Y15706*.
Identifiers: ClinVar variation 1791958 (VCV001791958.4), dbSNP rs2154198344, ClinGen allele CA349577837.